The following is an entry in ClinVar:

ClinVar aggregate classification (germline): Uncertain significance (1 of 4 stars; one submission).

Submission:

Ambry Genetics
Classification: Uncertain significance. Last evaluated: 2024-12-31. Review status: criteria provided, single submitter. Criteria: Ambry Variant Classification Scheme 2023. Collection method: clinical testing. Allele origin: germline.
Comment: The p.P1819S variant (also known as c.5455C>T), located in coding exon 22 of the WNK2 gene, results from a C to T substitution at nucleotide position 5455. The proline at codon 1819 is replaced by serine, an amino acid with similar properties. This amino acid position is conserved. In addition, this alteration is predicted to be tolerated by in silico analysis. Based on the available evidence, the clinical significance of this variant remains unclear.

NM_006648.4(WNK2):c.5455C>T (p.Pro1819Ser)

Gene: WNK2 (WNK lysine deficient protein kinase 2; plus strand). Cytogenetic location: 9q22.31.
Variant type: single nucleotide variant.
Coding change: c.5455C>T on transcript NM_006648.4 (MANE Select); coding-DNA position 5455, C replaced by T.
Protein change: p.Pro1819Ser; replaces proline 1819 with serine.
Molecular consequence: missense variant.
Genome position (GRCh38, 1-based): chr9:93,292,920, C>T. VCF-style: chr9-93292920-C-T. GRCh37 (hg19) VCF-style: chr9-96055202-C-T.
Other names: c.5566C>T, p.Pro1856Ser (NM_001282394.3); short protein forms P1819S, P1856S.
Identifiers: ClinVar variation 3816687 (VCV003816687.1).
Genomic context (GRCh38, chr9:93,292,920, plus strand): 5'-GTCGGCGTGGGCGAGCCCGTGTCCAGCGACTCTGGGGACGAGGGCCCTCGGGCGAGACCC[C>T]CGGTGCAGAAGCAGGCGTCCCTGCCCGTGAGTGGCAGCGTGGCTGGCGACTTCGTGAAGA-3'
Protein context (NP_006639.3, residues 1809-1829): SGDEGPRARP[Pro1819Ser]VQKQASLPVS